The following is an entry in ClinVar:

NM_006231.4(POLE):c.1138G>T (p.Gly380Cys)

Gene: POLE (DNA polymerase epsilon, catalytic subunit; minus strand). Cytogenetic location: 12q24.33.
Variant type: single nucleotide variant.
Coding change: c.1138G>T on transcript NM_006231.4 (MANE Select); coding-DNA position 1138, G replaced by T.
Protein change: p.Gly380Cys; replaces glycine 380 with cysteine.
Molecular consequence: missense variant.
Genome position (GRCh38, 1-based): chr12:132,675,486, C>A on the plus strand (G>T on the coding strand, the complement: POLE is on the minus strand). VCF-style: chr12-132675486-C-A. GRCh37 (hg19) VCF-style: chr12-133252072-C-A.
Other names: short protein forms G380C.
Identifiers: ClinVar variation 240378 (VCV000240378.22), dbSNP rs199746481, ClinGen allele CA6894060.

ClinVar aggregate classification (germline): Uncertain significance. Review status: criteria provided, multiple submitters, no conflicts (2 of 4 stars). 6 submissions from 6 submitters: Uncertain significance (6). Last evaluated 2026-01-07.

Conditions:
Colorectal cancer, susceptibility to, 12 (CRCS12). Also called: COLORECTAL CANCER, SUSCEPTIBILITY TO, ON CHROMOSOME 12q24. Identifiers: Orphanet 220460, MedGen C3554460, MONDO:0014038, OMIM 615083.
Hereditary cancer-predisposing syndrome. Also called: Tumor predisposition; Hereditary neoplastic syndrome; Hereditary Cancer Syndrome; Neoplastic Syndromes, Hereditary. Identifiers: Orphanet 140162, MedGen C0027672, MeSH D009386, MONDO:0015356.

Allele frequency attached by ClinVar (database versions not stated): gnomAD 0.00003; TOPMed 0.00002.
gnomAD v4.1: 40 of 1,613,988 alleles (0.0025%); highest among the groups gnomAD compares: African/African-American, 0.004%; no homozygotes.

Submissions (6):

Ambry Genetics
Classification: Uncertain significance for Hereditary cancer-predisposing syndrome. Last evaluated: 2026-01-07. Review status: criteria provided, single submitter. Criteria: Ambry Variant Classification Scheme 2023. Collection method: clinical testing. Allele origin: germline.
Comment: The p.G380C variant (also known as c.1138G>T), located in coding exon 12 of the POLE gene, results from a G to T substitution at nucleotide position 1138. The glycine at codon 380 is replaced by cysteine, an amino acid with highly dissimilar properties. This amino acid position is highly conserved in available vertebrate species. In addition, the in silico prediction for this alteration is inconclusive. Based on the available evidence, the clinical significance of this variant remains unclear.

Labcorp Genetics (formerly Invitae), Labcorp
Classification: Uncertain significance. Last evaluated: 2025-12-22. Review status: criteria provided, single submitter. Criteria: Invitae Variant Classification Sherloc (09022015). Collection method: clinical testing. Allele origin: germline.
Comment: This sequence change replaces glycine, which is neutral and non-polar, with cysteine, which is neutral and slightly polar, at codon 380 of the POLE protein (p.Gly380Cys). This variant is present in population databases (rs199746481, gnomAD 0.008%). This missense change has been observed in individual(s) with polyps (PMID: 32792570). ClinVar contains an entry for this variant (Variation ID: 240378). Invitae Evidence Modeling of protein sequence and biophysical properties (such as structural, functional, and spatial information, amino acid conservation, physicochemical variation, residue mobility, and thermodynamic stability) indicates that this missense variant is expected to disrupt POLE protein function with a positive predictive value of 80%. Experimental studies have shown that this missense change affects POLE function (PMID: 32792570). In summary, the available evidence is currently insufficient to determine the role of this variant in disease. Therefore, it has been classified as a Variant of Uncertain Significance.

GeneDx
Classification: Uncertain significance. Last evaluated: 2024-04-16. Review status: criteria provided, single submitter. Criteria: GeneDx Variant Classification Process June 2021. Collection method: clinical testing. Allele origin: germline. Affected: yes.
Comment: In silico analysis supports that this missense variant has a deleterious effect on protein structure/function; Published functional studies demonstrated a damaging effect: increased mutation rate and intermediate revertant colonies in a yeast-based exonuclease repair activity assay (PMID: 32792570); Observed in individuals with breast cancer, polyps, and ovarian cancer, but also in unaffected controls (PMID: 32792570, 32546565); This variant is associated with the following publications: (PMID: 32792570, 32546565, 20951805)

Baylor Genetics
Classification: Uncertain significance for Colorectal cancer, susceptibility to, 12. Last evaluated: 2024-01-19. Review status: criteria provided, single submitter. Criteria: ACMG Guidelines, 2015. Collection method: clinical testing. Allele origin: unknown.

ARUP Laboratories, Molecular Genetics and Genomics, ARUP Laboratories
Classification: Uncertain significance. Last evaluated: 2023-06-28. Review status: criteria provided, single submitter. Criteria: ARUP Molecular Germline Variant Investigation Process 2024. Collection method: clinical testing. Allele origin: germline.
Comment: The POLE c.1138G>T; p.Gly380Cys variant (rs199746481) is reported in the literature in individuals affected with breast cancer, ovarian cancer, and polyposis (Mur 2020, Song 2021), as well as in controls (Song 2021). This variant is reported in ClinVar (Variation ID: 240378) and is found in the general population with an overall allele frequency of 0.0028% (8/282,780 alleles) in the Genome Aggregation Database. Computational analyses are uncertain whether this variant is neutral or deleterious (REVEL: 0.531). However, functional analyses in a yeast-based exonuclease repair assay demonstrate increased mutation rate (Mur 2020). Due to limited information, the clinical significance of this variant is uncertain at this time. References: Mur P et al. Role of POLE and POLD1 in familial cancer. Genet Med. 2020 Dec;22(12):2089-2100. PMID: 32792570. Song H et al. Population-based targeted sequencing of 54 candidate genes identifies PALB2 as a susceptibility gene for high-grade serous ovarian cancer. J Med Genet. 2021 May;58(5):305-313. PMID: 32546565.

Quest Diagnostics Nichols Institute San Juan Capistrano
Classification: Uncertain significance. Last evaluated: 2022-11-11. Review status: criteria provided, single submitter. Criteria: Quest Diagnostics criteria. Collection method: clinical testing. Allele origin: unknown.
Comment: The frequency of this variant in the general population, 0.000046 (6/129122 chromosomes), is uninformative in assessment of its pathogenicity. In the published literature, the variant has been reported in individuals with breast cancer and polyps (PMID: 32792570 (2020)). A yeast based functional assay has shown that this variant may have a deleterious impact on POLE function (PMID: 32792570 (2020)). However, further studies are needed to validate this finding. Analysis of this variant using bioinformatics tools for the prediction of the effect of amino acid changes on protein structure and function yielded predictions that this variant is damaging. Based on the available information, we are unable to determine the clinical significance of this variant.

Literature cited by the submitters: PubMed 32546565 (cited by Ambry Genetics); PubMed 32792570 (cited by 3 submitters).